The following is an entry in ClinVar:

ClinVar aggregate classification (germline): Uncertain significance (1 of 4 stars; one submission).

Conditions:
Common variable immunodeficiency (CVID). Also called: Common variable hypogamma-globulinemia; Common variable agammaglobulinemia. Identifiers: Orphanet 1572, MedGen C0009447, MONDO:0015517.

Allele frequency attached by ClinVar (database versions not stated): gnomAD exomes below 0.00001; TOPMed below 0.00001; ExAC 0.00001.
gnomAD v4.1: 3 of 1,612,424 alleles (0.00019%); highest among the groups gnomAD compares: Admixed American, 0.0017%; no homozygotes.

Submission:

Labcorp Genetics (formerly Invitae), Labcorp
Classification: Uncertain significance for Common variable immunodeficiency. Last evaluated: 2023-04-14. Review status: criteria provided, single submitter. Criteria: Invitae Variant Classification Sherloc (09022015). Collection method: clinical testing. Allele origin: germline.
Comment: In summary, the available evidence is currently insufficient to determine the role of this variant in disease. Therefore, it has been classified as a Variant of Uncertain Significance. An algorithm developed to predict the effect of missense changes on protein structure and function (PolyPhen-2) suggests that this variant is likely to be disruptive. This variant has not been reported in the literature in individuals affected with TNFSF12-related conditions. This variant is present in population databases (rs771643936, gnomAD 0.003%). This sequence change replaces alanine, which is neutral and non-polar, with threonine, which is neutral and polar, at codon 106 of the TNFSF12 protein (p.Ala106Thr).

NM_003809.3(TNFSF12):c.316G>A (p.Ala106Thr)

Genes: TNFSF12 (TNF superfamily member 12; plus strand), TNFSF12-TNFSF13 (TNFSF12-TNFSF13 readthrough; plus strand). Cytogenetic location: 17p13.1.
Variant type: single nucleotide variant.
Coding change: c.316G>A on transcript NM_003809.3 (MANE Select); coding-DNA position 316, G replaced by A.
Protein change: p.Ala106Thr; replaces alanine 106 with threonine.
Molecular consequence: missense variant. On other transcripts: non-coding transcript variant (1).
Genome position (GRCh38, 1-based): chr17:7,550,831, G>A. VCF-style: chr17-7550831-G-A. GRCh37 (hg19) VCF-style: chr17-7454148-G-A.
Other names: c.316G>A, p.Ala106Thr (NM_172089.4); short protein forms A106T.
Identifiers: ClinVar variation 2897796 (VCV002897796.3), dbSNP rs771643936, ClinGen allele CA8350768.